The following is an entry in ClinVar:

ClinVar aggregate classification (germline): Conflicting classifications of pathogenicity. Review status: criteria provided, conflicting classifications (1 of 4 stars). 8 submissions from 7 submitters: Uncertain significance (4); Benign (2); Likely benign (1). 1 of the submissions does not count toward it. Last evaluated 2026-04-23.

Conditions:
TTC21B-related disorder. Also called: TTC21B-related disorders; TTC21B-related condition.
Nephronophthisis 12 (NPHP12). Identifiers: Orphanet 655, MedGen C3151186, MONDO:0013442, OMIM 613820.
Jeune thoracic dystrophy. Also called: Jeune syndrome; Short-rib thoracic dysplasia; Infantile thoracic dystrophy; Thoracic pelvic phalangeal dystrophy; Jeune's syndrome; Chondroectodermal dysplasia-like syndrome. Identifiers: Orphanet 474, MedGen C0265275, MONDO:0018770.
Nephronophthisis. Also called: Juvenile Nephronophthisis. Identifiers: Orphanet 655, MedGen C0687120, MONDO:0019005, HP:0000090.
Asphyxiating thoracic dystrophy 4 (SRTD4). Also called: SHORT-RIB THORACIC DYSPLASIA 4 WITH OR WITHOUT POLYDACTYLY; SHORT-RIB THORACIC DYSPLASIA 4. Identifiers: Orphanet 474, MedGen C3151185, MONDO:0013441, OMIM 613819.

Allele frequency attached by ClinVar (database versions not stated): gnomAD 0.00029 and 0.00031; TOPMed 0.00029; ExAC 0.00031; gnomAD exomes 0.00033; ESP Exome Variant Server 0.00046.
gnomAD v4.1: 354 of 1,613,644 alleles (0.022%); highest among the groups gnomAD compares: Non-Finnish European, 0.0053%; 2 homozygotes.

Submissions (8):

PreventionGenetics, part of Exact Sciences
Classification: Benign for TTC21B-related condition. Last evaluated: 2026-04-23. Review status: criteria provided, single submitter. Criteria: ACMG Guidelines, 2015. Collection method: clinical testing. Allele origin: germline.
Comment: This variant is classified as benign based on ACMG/AMP sequence variant interpretation guidelines (Richards et al. 2015 PMID: 25741868, with internal and published modifications).

Labcorp Genetics (formerly Invitae), Labcorp
Classification: Benign for Jeune thoracic dystrophy; Nephronophthisis. Last evaluated: 2026-01-25. Review status: criteria provided, single submitter. Criteria: Invitae Variant Classification Sherloc (09022015). Collection method: clinical testing. Allele origin: germline.

GeneDx
Classification: Uncertain significance. Last evaluated: 2025-03-07. Review status: criteria provided, single submitter. Criteria: GeneDx Variant Classification Process June 2021. Collection method: clinical testing. Allele origin: germline. Affected: yes.
Comment: In silico analysis supports that this missense variant has a deleterious effect on protein structure/function; Has not been previously published as pathogenic or benign to our knowledge

Blueprint Genetics
Classification: Likely benign. Last evaluated: 2024-10-25. Review status: criteria provided, single submitter. Criteria: ACMG Guidelines, 2015. Collection method: clinical testing. Allele origin: germline.

ARUP Laboratories, Molecular Genetics and Genomics, ARUP Laboratories
Classification: Uncertain significance. Last evaluated: 2024-02-16. Review status: criteria provided, single submitter. Criteria: ARUP Molecular Germline Variant Investigation Process 2024. Collection method: clinical testing. Allele origin: germline.
Comment: The TTC21B c.3914A>G, p.Asp1305Gly variant (rs147540469), to our knowledge, has not been reported in the medical literature; however, this variant is listed in the ClinVar database (Variation ID: 331819). This variant is found in the general population with an allele frequency in Ashkenazi populations of 0.74% (77/10,360 alleles; including one homozygote) in the Genome Aggregation Database (v2.1.1). The aspartic acid at codon 1305 is moderately conserved, and computational analyses are uncertain whether this variant is neutral or deleterious (REVEL: 0.562). Thus, based on the available information, the clinical significance of this variant is uncertain.

Illumina Laboratory Services, Illumina
Classification: Uncertain significance for Asphyxiating thoracic dystrophy 4. Last evaluated: 2018-01-13. Review status: criteria provided, single submitter. Criteria: ICSL Variant Classification Criteria 13 December 2019. Collection method: clinical testing. Allele origin: germline.

Illumina Laboratory Services, Illumina
Classification: Uncertain significance for Nephronophthisis 12. Last evaluated: 2018-01-13. Review status: criteria provided, single submitter. Criteria: ICSL Variant Classification Criteria 13 December 2019. Collection method: clinical testing. Allele origin: germline.

Genetic Services Laboratory, University of Chicago
Classification: Uncertain significance. Last evaluated: 2022-05-06. Review status: no assertion criteria provided. Collection method: clinical testing. Allele origin: germline. Affected: no. Not counted in ClinVar's aggregate classification.
Comment: DNA sequence analysis of the TTC21B gene demonstrated a sequence change, c.3914A>G, in exon 29 that results in an amino acid change, p.Asp1305Gly. This sequence change has been described in the gnomAD database with a frequency of 0.74% in the Ashkenazi Jewish subpopulation and includes one homozygous individual (dbSNP rs147540469). The p.Asp1305Gly change affects a moderately conserved amino acid residue located in a domain of the TTC21B protein that is not known to be functional. In-silico pathogenicity prediction tools (SIFT, PolyPhen2, Align GVGD, REVEL) provide contradictory results for the p.Asp1305Gly substitution. This sequence change does not appear to have been previously described in individuals with TTC21B-related disorders. Due to insufficient evidences and the lack of functional studies, the clinical significance of the p.Asp1305Gly change remains unknown at this time.

NM_024753.5(TTC21B):c.3914A>G (p.Asp1305Gly)

Gene: TTC21B (tetratricopeptide repeat domain 21B; minus strand). Cytogenetic location: 2q24.3.
Variant type: single nucleotide variant.
Coding change: c.3914A>G on transcript NM_024753.5 (MANE Select); coding-DNA position 3914, A replaced by G.
Protein change: p.Asp1305Gly; replaces aspartic acid 1305 with glycine.
Molecular consequence: missense variant.
Genome position (GRCh38, 1-based): chr2:165,874,792, T>C on the plus strand (A>G on the coding strand, the complement: TTC21B is on the minus strand). VCF-style: chr2-165874792-T-C. GRCh37 (hg19) VCF-style: chr2-166731302-T-C.
Other names: short protein forms D1305G.
Identifiers: ClinVar variation 331819 (VCV000331819.61), dbSNP rs147540469, ClinGen allele CA1941338.